The following is an entry in ClinVar:

NM_001008212.2(OPTN):c.1289_1290del (p.Leu430fs)

Gene: OPTN (optineurin; plus strand). Cytogenetic location: 10p13.
Variant type: Deletion.
Coding change: c.1289_1290del on transcript NM_001008212.2 (MANE Select); coding-DNA positions 1289 to 1290, 2 bases deleted (TG; older notation c.1289_1290delTG).
Protein change: p.Leu430fs; shifts the reading frame from leucine 430.
Molecular consequence: frameshift variant.
Genome position (GRCh38, 1-based): chr10:13,127,791-13,127,792, TG deleted. VCF-style (leftmost placement, unchanged base first): chr10-13127790-CTG-C. GRCh37 (hg19) VCF-style: chr10-13169790-CTG-C.
Other names: c.1289_1290del, p.Leu430fs (NM_001008211.1, NM_001008213.1, NM_021980.4); short protein forms L430fs.
Identifiers: ClinVar variation 2042501 (VCV002042501.1), dbSNP rs1206423781, ClinGen allele CA592311806.

ClinVar aggregate classification (germline): Pathogenic (1 of 4 stars; one submission).

Conditions:
Primary open angle glaucoma (POAG). Also called: OPTN-related open angle glaucoma. Identifiers: MedGen C0339573, MONDO:0100553, OMIM 137760.
Glaucoma 1, open angle, E. Identifiers: MedGen C1842026, MONDO:0007665.
Amyotrophic lateral sclerosis type 12 (ALS12). Also called: AMYOTROPHIC LATERAL SCLEROSIS 12 WITH OR WITHOUT FRONTOTEMPORAL DEMENTIA. Identifiers: Orphanet 803, MedGen C3150692, MONDO:0013264, OMIM 613435.

Allele frequency attached by ClinVar (database versions not stated): gnomAD exomes below 0.00001; gnomAD 0.00001.

Submission:

Labcorp Genetics (formerly Invitae), Labcorp
Classification: Pathogenic for Primary open angle glaucoma; Glaucoma 1, open angle, E; Amyotrophic lateral sclerosis type 12. Last evaluated: 2022-04-11. Review status: criteria provided, single submitter. Criteria: Invitae Variant Classification Sherloc (09022015). Collection method: clinical testing. Allele origin: germline.
Comment: This sequence change creates a premature translational stop signal (p.Leu430Argfs*16) in the OPTN gene. It is expected to result in an absent or disrupted protein product. Loss-of-function variants in OPTN are known to be pathogenic (PMID: 20428114). This variant is present in population databases (no rsID available, gnomAD 0.007%). This premature translational stop signal has been observed in individual(s) with autosomal recessive amyotrophic lateral sclerosis (PMID: 29558868). For these reasons, this variant has been classified as Pathogenic.

Literature cited by the submitters: PubMed 20428114; PubMed 29558868.